The following is an entry in ClinVar:

NM_016247.4(IMPG2):c.583+1G>C

Gene: IMPG2 (interphotoreceptor matrix proteoglycan 2; minus strand). Cytogenetic location: 3q12.3.
Variant type: single nucleotide variant.
Coding change: c.583+1G>C on transcript NM_016247.4 (MANE Select); the canonical splice donor site of the intron after coding-DNA position 583, G replaced by C.
Molecular consequence: splice donor variant.
Genome position (GRCh38, 1-based): chr3:101,276,663, C>G on the plus strand (G>C on the coding strand, the complement: IMPG2 is on the minus strand). VCF-style: chr3-101276663-C-G. GRCh37 (hg19) VCF-style: chr3-100995507-C-G.
Identifiers: ClinVar variation 1517305 (VCV001517305.7), dbSNP rs1360618530, ClinGen allele CA353868392.
Genomic context (GRCh38, chr3:101,276,663, plus strand): 5'-GAGCCTGTCTTAAACCATAAATAATTTTAAAAGAAAAGTGAATGAAGACACAAAAGTATA[C>G]CTCCCAATGTTGAAGTATCACCAACAGGAACTGGAGAAGACAGTTCAGAGCTAGAAAAAA-3'

ClinVar aggregate classification (germline): Pathogenic/Likely pathogenic. Review status: criteria provided, multiple submitters, no conflicts (2 of 4 stars). 2 submissions from 2 submitters: Pathogenic (1); Likely pathogenic (1). Last evaluated 2024-10-10.

Conditions:
Retinitis pigmentosa 56 (RP56). Identifiers: Orphanet 791, MedGen C3150819, MONDO:0013314, OMIM 613581.

Allele frequency attached by ClinVar (database versions not stated): TOPMed below 0.00001.

Submissions (2):

3billion
Classification: Pathogenic for Retinitis pigmentosa 56. Last evaluated: 2024-10-10. Review status: criteria provided, single submitter. Criteria: ACMG Guidelines, 2015. Collection method: clinical testing. Allele origin: germline. Affected: yes.
Comment: The variant is not observed in the gnomAD v4.1.0 dataset. Predicted Consequence/Location: Canonical splice site: predicted to alter splicing and result in a loss or disruption of normal protein function. Multiple pathogenic loss-of-function variants are reported downstream of the variant. In silico tools predict the variant to alter splicing and produce an abnormal transcript [SpliceAI: 0.98 (spliceogenicity >=0.2, non-spliceogenicity <0.1)]. The variant has been reported to be associated with IMPG2 related disorder (ClinVar ID: VCV001517305). Therefore, this variant is classified as Pathogenic according to the recommendation of ACMG/AMP guideline.

Labcorp Genetics (formerly Invitae), Labcorp
Classification: Likely pathogenic. Last evaluated: 2021-08-16. Review status: criteria provided, single submitter. Criteria: Invitae Variant Classification Sherloc (09022015). Collection method: clinical testing. Allele origin: germline.
Comment: In summary, the currently available evidence indicates that the variant is pathogenic, but additional data are needed to prove that conclusively. Therefore, this variant has been classified as Likely Pathogenic. Algorithms developed to predict the effect of sequence changes on RNA splicing suggest that this variant may disrupt the consensus splice site. Disruption of this splice site has been observed in individual(s) with clinical features of retinitis pigmentosa (Invitae). This variant is not present in population databases (ExAC no frequency). This sequence change affects a donor splice site in intron 5 of the IMPG2 gene. It is expected to disrupt RNA splicing. Variants that disrupt the donor or acceptor splice site typically lead to a loss of protein function (PMID: 16199547), and loss-of-function variants in IMPG2 are known to be pathogenic (PMID: 20673862).

Literature cited by the submitters: PubMed 16199547 (cited by Labcorp Genetics (formerly Invitae), Labcorp); PubMed 20673862 (cited by Labcorp Genetics (formerly Invitae), Labcorp).